The following is an entry in ClinVar:

NM_001754.5(RUNX1):c.1356G>C (p.Val452=)

Gene: RUNX1 (RUNX family transcription factor 1; minus strand). Cytogenetic location: 21q22.12.
Variant type: single nucleotide variant.
Coding change: c.1356G>C on transcript NM_001754.5 (MANE Select); coding-DNA position 1356, G replaced by C.
Protein change: p.Val452=; no amino-acid change (valine 452 retained).
Molecular consequence: synonymous variant.
Genome position (GRCh38, 1-based): chr21:34,792,222, C>G on the plus strand (G>C on the coding strand, the complement: RUNX1 is on the minus strand). VCF-style: chr21-34792222-C-G. GRCh37 (hg19) VCF-style: chr21-36164519-C-G.
Other names: NM_001754.5(RUNX1):c.1356G>C; p.Val452=; c.1275G>C, p.Val425= (NM_001001890.3); c.1356G>C (NM_001754.4).
Identifiers: ClinVar variation 1553774 (VCV001553774.9), dbSNP rs1457702382, ClinGen allele CA512340989.
Genomic context (GRCh38, chr21:34,792,222, plus strand): 5'-CAGGCGCGCGGAGGGCGCCATGTTGGTGGGGGAGTTGCTGTGGCTGCCCTCGGCCTCCAC[C>G]ACGTCGCTCTGGTTCGGGAGGCTGGGGTTGAGCAGCGCGGAGCCGGTGGAGGCGTTGGTG-3'
Protein context (NP_001745.2, residues 442-462): LNPSLPNQSD[Val452=]VEAEGSHSNS

ClinVar aggregate classification (germline): Likely benign. Review status: reviewed by expert panel (3 of 4 stars). 3 submissions from 3 submitters: Likely benign (1). 2 of the submissions do not count toward it. Last evaluated 2023-11-13.

Conditions:
Hereditary thrombocytopenia and hematologic cancer predisposition syndrome. Identifiers: Orphanet 71290, MedGen CN281654, MONDO:0011071.
Inborn genetic diseases. Identifiers: MedGen C0950123, MeSH D030342.
Hereditary thrombocytopenia and hematological cancer predisposition syndrome associated with RUNX1. Also called: RUNX1 Familial Platelet Disorder with Associated Myeloid Malignancies; Familial Platelet Disorder with Propensity to Acute Myelogenous Leukemia; Familial thrombocytopenia with propensity to acute myelogenous leukemia; PLATELET DISORDER, ASPIRIN-LIKE. Identifiers: Orphanet 71290, MedGen C1832388, MeSH C563324, MONDO:0100083, OMIM 601399.

Allele frequency attached by ClinVar (database versions not stated): gnomAD exomes below 0.00001 and 0.00001.
gnomAD v4.1: 1 of 1,540,074 alleles (0.000065%); highest among the groups gnomAD compares: East Asian, 0.0024%; no homozygotes.

Submissions (3):

ClinGen Myeloid Malignancy Variant Curation Expert Panel
Classification: Likely benign for Hereditary thrombocytopenia and hematologic cancer predisposition syndrome. Last evaluated: 2023-11-13. Review status: reviewed by expert panel. Criteria: ClinGen MyeloMalig ACMG Specifications v2. Collection method: curation. Allele origin: germline. Inheritance: Autosomal dominant inheritance.
Comment: The c.1356G>C (p.Val452=) (NM_001754.5) is a synonymous (silent) variant that is not predicted by SpliceAI to impact splicing (0). In addition, it occurs at a nucleotide that is not conserved as shown by PhyloP100 (0.3) (BP4, BP7). The highest population minor allele frequency in gnomAD v2.1.1 is 0.00009 (1/11550 alleles) in East Asian population (PM2_Supporting, BS1, and BA1 are not met). In summary, the clinical significance of this variant is likely benign. ACMG/AMP criteria applied, as specified by the Myeloid Malignancy Variant Curation Expert Panel for RUNX1: BP4, BP7.

Ambry Genetics
Classification: Likely benign for Inborn genetic diseases. Last evaluated: 2025-11-08. Review status: criteria provided, single submitter. Criteria: Ambry Variant Classification Scheme 2023. Collection method: clinical testing. Allele origin: germline. Not counted in ClinVar's aggregate classification.

Labcorp Genetics (formerly Invitae), Labcorp
Classification: Likely benign for Hereditary thrombocytopenia and hematological cancer predisposition syndrome associated with RUNX1. Last evaluated: 2022-11-22. Review status: criteria provided, single submitter. Criteria: Invitae Variant Classification Sherloc (09022015). Collection method: clinical testing. Allele origin: germline. Not counted in ClinVar's aggregate classification.